The following is an entry in ClinVar:

NM_001723.7(DST):c.5510C>A (p.Ala1837Asp)

Gene: DST (dystonin; minus strand). Cytogenetic location: 6p12.1.
Variant type: single nucleotide variant.
Coding change: c.5510C>A on transcript NM_001723.7 (MANE Plus Clinical); coding-DNA position 5510, C replaced by A.
Protein change: p.Ala1837Asp; replaces alanine 1837 with aspartic acid.
Molecular consequence: missense variant. On other transcripts: intron variant (10).
Genome position (GRCh38, 1-based): chr6:56,618,524, G>T on the plus strand (C>A on the coding strand, the complement: DST is on the minus strand). VCF-style: chr6-56618524-G-T. GRCh37 (hg19) VCF-style: chr6-56483322-G-T.
Other names: c.4831-4040C>A (NM_001144769.5); c.4930-4040C>A (NM_001374722.1, NM_001374736.1); c.4957-4040C>A (NM_001374734.1); c.4417-4040C>A (NM_001144770.2); c.4297-4040C>A (NM_001374730.1, NM_001386100.1, NM_183380.4 and 1 more transcripts); c.3319-4040C>A (NM_015548.5); short protein forms A1837D.
Identifiers: ClinVar variation 582299 (VCV000582299.10), dbSNP rs778893788, ClinGen allele CA3870347.
Genomic context (GRCh38, chr6:56,618,524, plus strand): 5'-TCATGCTCTTTGATCTGTTGGTCCATTTTTTGCTTCAGGTTTTCAACCTCACGCTTCTGG[G>T]CTATCAGCTCATCCTCAAGTTTCTGACATTTTTGGTAATGATTTGCTTCCATGTGCTGCC-3'
Protein context (NP_001714.1, residues 1827-1847): KCQKLEDELI[Ala1837Asp]QKREVENLKQ

ClinVar aggregate classification (germline): Uncertain significance. Review status: criteria provided, multiple submitters, no conflicts (2 of 4 stars). 2 submissions from 2 submitters: Uncertain significance (2). Last evaluated 2026-06-19.

Conditions:
DST-related disorder. Also called: DST-related condition; DST-related disorders.
Epidermolysis bullosa simplex 3, localized or generalized intermediate, with BP230 deficiency (EBS3). Also called: Epidermolysis bullosa simplex, autosomal recessive 2; Epidermolysis bullosa simplex due to BP230 deficiency. Identifiers: Orphanet 412181, MedGen C3809470, MONDO:0014180, OMIM 615425.
Hereditary sensory and autonomic neuropathy type 6. Also called: HSAN VI; Neuropathy, hereditary sensory and autonomic, type VI. Identifiers: Orphanet 314381, MedGen C3539003, MONDO:0013839, OMIM 614653.

Allele frequency attached by ClinVar (database versions not stated): ExAC 0.00001; gnomAD exomes 0.00001 and 0.00002.
gnomAD v4.1: 12 of 1,614,066 alleles (0.00074%); highest among the groups gnomAD compares: Non-Finnish European, 0.001%; no homozygotes.

Submissions (2):

PreventionGenetics, part of Exact Sciences
Classification: Uncertain significance for DST-related condition. Last evaluated: 2026-06-19. Review status: criteria provided, single submitter. Criteria: ACMG Guidelines, 2015. Collection method: clinical testing. Allele origin: germline.
Comment: The DST c.5510C>A variant is predicted to result in the amino acid substitution p.Ala1837Asp. To our knowledge, this variant has not been reported in the literature. This variant is reported in 0.0044% of alleles in individuals of European (Non-Finnish) descent in gnomAD. At this time, the clinical significance of this variant is uncertain due to the absence of conclusive functional and genetic evidence.

Labcorp Genetics (formerly Invitae), Labcorp
Classification: Uncertain significance for Epidermolysis bullosa simplex 3, localized or generalized intermediate, with BP230 deficiency; Hereditary sensory and autonomic neuropathy type 6. Last evaluated: 2021-08-31. Review status: criteria provided, single submitter. Criteria: Invitae Variant Classification Sherloc (09022015). Collection method: clinical testing. Allele origin: germline.
Comment: This sequence change replaces alanine with aspartic acid at codon 1837 of the DST protein (p.Ala1837Asp). The alanine residue is weakly conserved and there is a moderate physicochemical difference between alanine and aspartic acid. This variant is present in population databases (rs778893788, ExAC 0.001%). This variant has not been reported in the literature in individuals affected with DST-related conditions. Algorithms developed to predict the effect of missense changes on protein structure and function are either unavailable or do not agree on the potential impact of this missense change (SIFT: "Deleterious"; PolyPhen-2: "Benign"; Align-GVGD: "Class C15"). In summary, the available evidence is currently insufficient to determine the role of this variant in disease. Therefore, it has been classified as a Variant of Uncertain Significance.